The following is an entry in ClinVar:

ClinVar aggregate classification (germline): Uncertain significance (1 of 4 stars; one submission).

Conditions:
Autosomal recessive limb-girdle muscular dystrophy type 2J (LGMDR10). Also called: Limb-girdle muscular dystrophy, type 2J; MUSCULAR DYSTROPHY, LIMB-GIRDLE, AUTOSOMAL RECESSIVE 10. Identifiers: Orphanet 140922, MedGen C1837342, MONDO:0012127, OMIM 608807.
Dilated cardiomyopathy 1G (CMD1G). Identifiers: Orphanet 154, MedGen C1858763, MONDO:0011400, OMIM 604145.

gnomAD v4.1: 1 of 1,613,964 alleles (0.000062%); highest among the groups gnomAD compares: Non-Finnish European, 0.000085%; no homozygotes.

Submission:

Labcorp Genetics (formerly Invitae), Labcorp
Classification: Uncertain significance for Dilated cardiomyopathy 1G; Autosomal recessive limb-girdle muscular dystrophy type 2J. Last evaluated: 2017-05-03. Review status: criteria provided, single submitter. Criteria: Invitae Variant Classification Sherloc (09022015). Collection method: clinical testing. Allele origin: germline.
Comment: This sequence change replaces glycine with valine at codon 35632 of the TTN protein (p.Gly35632Val). The glycine residue is weakly conserved and there is a moderate physicochemical difference between glycine and valine. This variant is not present in population databases (ExAC no frequency) and has not been reported in the literature in individuals with a TTN-related disease. This variant identified in the TTN gene is located in the M band of the resulting protein (PMID: 25589632). It is unclear how this variant impacts the function of this protein. Algorithms developed to predict the effect of missense changes on protein structure and function are unavailable for the TTN gene. In summary, this variant is a novel missense change with unknown impact on protein function. Missense variants in this region of the TTN gene are typically not causative for cardiac disease, but may be relevant for neuromuscular disorders. However, the available evidence is currently insufficient to determine this variant's role in disease. Therefore, it has been classified as a Variant of Uncertain Significance.

NM_001267550.2(TTN):c.106895G>T (p.Gly35632Val)

Genes: TTN-AS1 (TTN antisense RNA 1; plus strand), TTN (titin; minus strand). Cytogenetic location: 2q31.2.
Variant type: single nucleotide variant.
Coding change: c.106895G>T on transcript NM_001267550.2 (MANE Select); coding-DNA position 106895, G replaced by T.
Protein change: p.Gly35632Val; replaces glycine 35632 with valine.
Molecular consequence: missense variant.
Genome position (GRCh38, 1-based): chr2:178,528,856, C>A on the plus strand (G>T on the coding strand, the complement: TTN is on the minus strand). VCF-style: chr2-178528856-C-A. GRCh37 (hg19) VCF-style: chr2-179393583-C-A.
Other names: c.79700G>T, p.Gly26567Val (NM_003319.4); c.99191G>T, p.Gly33064Val (NM_133378.4); c.80075G>T, p.Gly26692Val (NM_133432.3); c.80276G>T, p.Gly26759Val (NM_133437.4); c.101972G>T, p.Gly33991Val (NM_001256850.1); short protein forms G35632V, G33991V, G26567V, G26692V, G33064V, G26759V.
Identifiers: ClinVar variation 466759 (VCV000466759.1), dbSNP rs1210557316, ClinGen allele CA349402729.
Genomic context (GRCh38, chr2:178,528,856, plus strand): 5'-CGGTACTCCTCAGAGTTGGTAAGCTCTACGCCATTCAGTACCCATTTCACATCAGTGGCA[C>A]CAGCAATGTTGGCTTTTAAAACCAGTCTTTGACCTTCGTTTATGCTCATCTGAGTAGAAA-3'
Protein context (NP_001254479.2, residues 35622-35642): QRLVLKANIA[Gly35632Val]ATDVKWVLNG